The following is an entry in ClinVar:

ClinVar aggregate classification (germline): Uncertain significance. Review status: criteria provided, multiple submitters, no conflicts (2 of 4 stars). 3 submissions from 3 submitters: Uncertain significance (2). 1 of the submissions does not count toward it. Last evaluated 2024-08-12.

Conditions:
Inborn genetic diseases. Identifiers: MedGen C0950123, MeSH D030342.
Achromatopsia. Also called: Rod monochromatism. Identifiers: Orphanet 49382, MedGen C0152200, MONDO:0018852, HP:0011516.

Allele frequency attached by ClinVar (database versions not stated): ExAC 0.00003; gnomAD exomes 0.00003; 1000 Genomes Project 30x 0.00016; TOPMed 0.00017; 1000 Genomes Project 0.00020.
gnomAD v4.1: 30 of 1,614,116 alleles (0.0019%); highest among the groups gnomAD compares: Admixed American, 0.027%; no homozygotes.

Submissions (3):

Ambry Genetics
Classification: Uncertain significance for Inborn genetic diseases. Last evaluated: 2024-08-12. Review status: criteria provided, single submitter. Criteria: Ambry Variant Classification Scheme 2023. Collection method: clinical testing. Allele origin: germline.

Labcorp Genetics (formerly Invitae), Labcorp
Classification: Uncertain significance. Last evaluated: 2022-02-28. Review status: criteria provided, single submitter. Criteria: Invitae Variant Classification Sherloc (09022015). Collection method: clinical testing. Allele origin: germline.
Comment: This sequence change replaces glycine, which is neutral and non-polar, with tryptophan, which is neutral and slightly polar, at codon 612 of the CNGB3 protein (p.Gly612Trp). This variant is present in population databases (rs201675902, gnomAD 0.02%). This variant has not been reported in the literature in individuals affected with CNGB3-related conditions. ClinVar contains an entry for this variant (Variation ID: 837828). Advanced modeling of protein sequence and biophysical properties (such as structural, functional, and spatial information, amino acid conservation, physicochemical variation, residue mobility, and thermodynamic stability) performed at Invitae indicates that this missense variant is expected to disrupt CNGB3 protein function. In summary, the available evidence is currently insufficient to determine the role of this variant in disease. Therefore, it has been classified as a Variant of Uncertain Significance.

Natera, Inc.
Classification: Uncertain significance for Achromatopsia. Last evaluated: 2020-01-22. Review status: no assertion criteria provided. Collection method: clinical testing. Allele origin: germline. Not counted in ClinVar's aggregate classification.

NM_019098.5(CNGB3):c.1834G>T (p.Gly612Trp)

Gene: CNGB3 (cyclic nucleotide gated channel subunit beta 3; minus strand). Cytogenetic location: 8q21.3.
Variant type: single nucleotide variant.
Coding change: c.1834G>T on transcript NM_019098.5 (MANE Select); coding-DNA position 1834, G replaced by T.
Protein change: p.Gly612Trp; replaces glycine 612 with tryptophan.
Molecular consequence: missense variant.
Genome position (GRCh38, 1-based): chr8:86,579,200, C>A on the plus strand (G>T on the coding strand, the complement: CNGB3 is on the minus strand). VCF-style: chr8-86579200-C-A. GRCh37 (hg19) VCF-style: chr8-87591428-C-A.
Other names: short protein forms G612W.
Identifiers: ClinVar variation 837828 (VCV000837828.10), dbSNP rs201675902, ClinGen allele CA4799883.
Genomic context (GRCh38, chr8:86,579,200, plus strand): 5'-GATAATGCACTAGAATTTCTTGGAGGGTCTTTTTGTCTAGAGTTAAAAGATTGGCAAACC[C>A]GTGGGCCACCACATTGGCAGTTCGACGGTTTCCTCCTCCTGCTGCTAGAAGGCTGTAAGA-3'
Protein context (NP_061971.3, residues 602-622): NRRTANVVAH[Gly612Trp]FANLLTLDKK